The following is an entry in ClinVar:

ClinVar aggregate classification (germline): Uncertain significance (1 of 4 stars; one submission).

Conditions:
Charcot-Marie-Tooth disease type 2. Also called: Charcot-Marie-Tooth type 2. Identifiers: Orphanet 64746, MedGen C0270914, MONDO:0018993.

Submission:

Labcorp Genetics (formerly Invitae), Labcorp
Classification: Uncertain significance for Charcot-Marie-Tooth disease type 2. Last evaluated: 2021-08-07. Review status: criteria provided, single submitter. Criteria: Invitae Variant Classification Sherloc (09022015). Collection method: clinical testing. Allele origin: germline.
Comment: This sequence change replaces isoleucine with threonine at codon 739 of the AARS protein (p.Ile739Thr). The isoleucine residue is highly conserved and there is a moderate physicochemical difference between isoleucine and threonine. This variant is not present in population databases (ExAC no frequency). This variant has not been reported in the literature in individuals affected with AARS-related conditions. Algorithms developed to predict the effect of missense changes on protein structure and function are either unavailable or do not agree on the potential impact of this missense change (SIFT: "Deleterious"; PolyPhen-2: "Possibly Damaging"; Align-GVGD: "Class C0"). In summary, the available evidence is currently insufficient to determine the role of this variant in disease. Therefore, it has been classified as a Variant of Uncertain Significance.

NM_001605.3(AARS1):c.2216T>C (p.Ile739Thr)

Gene: AARS1 (alanyl-tRNA synthetase 1; minus strand). Cytogenetic location: 16q22.1.
Variant type: single nucleotide variant.
Coding change: c.2216T>C on transcript NM_001605.3 (MANE Select); coding-DNA position 2216, T replaced by C.
Protein change: p.Ile739Thr; replaces isoleucine 739 with threonine.
Molecular consequence: missense variant.
Genome position (GRCh38, 1-based): chr16:70,255,798, A>G on the plus strand (T>C on the coding strand, the complement: AARS1 is on the minus strand). VCF-style: chr16-70255798-A-G. GRCh37 (hg19) VCF-style: chr16-70289701-A-G.
Other names: short protein forms I739T.
Identifiers: ClinVar variation 1682151 (VCV001682151.1), dbSNP rs2152151875, ClinGen allele CA396557031.